The following is an entry in ClinVar:

ClinVar aggregate classification (germline): Uncertain significance (1 of 4 stars; one submission).

Conditions:
Inborn genetic diseases. Identifiers: MedGen C0950123, MeSH D030342.

Submission:

Ambry Genetics
Classification: Uncertain significance for Inborn genetic diseases. Last evaluated: 2026-03-16. Review status: criteria provided, single submitter. Criteria: Ambry Variant Classification Scheme 2023. Collection method: clinical testing. Allele origin: germline.
Comment: The p.R127P variant (also known as c.380G>C), located in coding exon 4 of the FANCG gene, results from a G to C substitution at nucleotide position 380. The arginine at codon 127 is replaced by proline, an amino acid with dissimilar properties. This amino acid position is conserved. In addition, this alteration is predicted to be tolerated by in silico analysis. Based on the available evidence, the clinical significance of this variant remains unclear.

NM_004629.2(FANCG):c.380G>C (p.Arg127Pro)

Gene: FANCG (FA complementation group G; minus strand). Cytogenetic location: 9p13.3.
Variant type: single nucleotide variant.
Coding change: c.380G>C on transcript NM_004629.2 (MANE Select); coding-DNA position 380, G replaced by C.
Protein change: p.Arg127Pro; replaces arginine 127 with proline.
Molecular consequence: missense variant.
Genome position (GRCh38, 1-based): chr9:35,078,271, C>G on the plus strand (G>C on the coding strand, the complement: FANCG is on the minus strand). VCF-style: chr9-35078271-C-G. GRCh37 (hg19) VCF-style: chr9-35078268-C-G.
Other names: short protein forms R127P.
Identifiers: ClinVar variation 4870974 (VCV004870974.1).
Genomic context (GRCh38, chr9:35,078,271, plus strand): 5'-GCCTGCAGGCCAACCAGGCGGTGCAGGGCAGACAGCAGCTCCGGCAGAAGGCAGGAAGCA[C>G]GAAGGACAGAGTCCCACAGCTCCCTGAGCCCCTGTTCCAACCTGGGCCCCTGCTGCTCCT-3'
Protein context (NP_004620.1, residues 117-137): GLRELWDSVL[Arg127Pro]ASCLLPELLS